The following is an entry in ClinVar:

NM_006496.4(GNAI3):c.118G>C (p.Gly40Arg)

Genes: GNAI3 (G protein subunit alpha i3; plus strand), LOC129931108 (ATAC-STARR-seq lymphoblastoid active region 1445; plus strand). Cytogenetic location: 1p13.3.
Variant type: single nucleotide variant.
Coding change: c.118G>C on transcript NM_006496.4 (MANE Select); coding-DNA position 118, G replaced by C.
Protein change: p.Gly40Arg; replaces glycine 40 with arginine.
Molecular consequence: missense variant.
Genome position (GRCh38, 1-based): chr1:109,548,838, G>C. VCF-style: chr1-109548838-G-C. GRCh37 (hg19) VCF-style: chr1-110091460-G-C.
Other names: short protein forms G40R.
Identifiers: ClinVar variation 31636 (VCV000031636.3), dbSNP rs387907178, ClinGen allele CA129857.

ClinVar aggregate classification (germline): Pathogenic/Likely pathogenic. Review status: criteria provided, multiple submitters, no conflicts (2 of 4 stars). 3 submissions from 3 submitters: Pathogenic (1); Likely pathogenic (1). 1 of the submissions does not count toward it. Last evaluated 2023-12-18.

Conditions:
Auriculocondylar syndrome 1 (ARCND1). Identifiers: Orphanet 137888, MedGen C4551996, MONDO:0011234, OMIM 602483.

Submissions (3):

GeneDx
Classification: Likely pathogenic. Last evaluated: 2023-12-18. Review status: criteria provided, single submitter. Criteria: GeneDx Variant Classification Process June 2021. Collection method: clinical testing. Allele origin: germline. Affected: yes.
Comment: In silico analyses support that this missense variant has a deleterious effect on protein structure/function and may impact gene splicing; in the absence of RNA/functional studies, the actual effect of this sequence change is unknown; Not observed at significant frequency in large population cohorts (gnomAD); This variant is associated with the following publications: (PMID: 22560091)

University of Washington Center for Mendelian Genomics, University of Washington
Classification: Pathogenic for Auriculocondylar syndrome 1. Last evaluated: 2012-09-17. Review status: criteria provided, single submitter. Criteria: submitter's publication. Collection method: research. Allele origin: inherited. Affected: yes.

OMIM
Classification: Pathogenic for AURICULOCONDYLAR SYNDROME 1. Last evaluated: 2012-05-04. Review status: no assertion criteria provided. Collection method: literature only. Allele origin: germline. Not counted in ClinVar's aggregate classification.

Literature cited by the submitters: PubMed 11102934 (cited by OMIM); PubMed 22560091 (cited by OMIM).